The following is an entry in ClinVar:

ClinVar aggregate classification (germline): Benign. Review status: reviewed by expert panel (3 of 4 stars). 4 submissions from 4 submitters: Benign (1). 3 of the submissions do not count toward it. Last evaluated 2022-03-24.

Conditions:
Mitochondrial disease. Also called: Mitochondrial disorder; Mitochondrial disorders. Identifiers: Orphanet 68380, MedGen C0751651, MeSH D028361, MONDO:0044970.
Leigh syndrome (NULS). Also called: Leigh's necrotizing encephalopathy; Leigh's disease; Leigh Disease; Subacute necrotizing encephalopathy; Necrotizing encephalopathy infantile subacute of Leigh; LEIGH SYNDROME, NUCLEAR. Identifiers: Orphanet 506, MedGen C2931891, MONDO:0009723, OMIM 256000.
Familial cancer of breast. Also called: hereditary breast carcinoma; Hereditary breast cancer; BREAST CANCER, FAMILIAL. Identifiers: Orphanet 227535, MedGen C0346153, MONDO:0016419, OMIM 114480. Disease mechanism: loss of function.

Submissions (4):

ClinGen Mitochondrial Disease Nuclear and Mitochondrial  Variant Curation Expert Panel, ClinGen
Classification: Benign for Mitochondrial disease. Last evaluated: 2022-03-24. Review status: reviewed by expert panel. Criteria: clingen mito disease acmg specifications v1-1. Collection method: curation. Allele origin: germline. Inheritance: Mitochondrial inheritance.
Comment: The m.15326A>G (p.T194A) variant in MT-CYB was reviewed by the Mitochondrial Disease Nuclear and Mitochondrial Variant Curation Expert Panel as part of the variant pilot for mitochondrial DNA variant specifications (McCormick et al., 2020; PMID: 32906214). This variant is seen at high frequencies in numerous haplogroups and the overall allele frequency in GenBank database (per Mitomap; queried 6/29/2020) is 98.7% (BA1). Additionally, the computational predictor APOGEE gives a consensus rating of neutral with a low pathogenicity predictor score, 0.4 (Min=0, Max=1), evidence that does not predict a damaging effect on gene function (BP4). In summary, this variant meets criteria to be classified as benign. This classification was approved by the NICHD U24 Mitochondrial Disease Variant Curation Expert Panel as of August 20, 2020. Mitochondrial DNA-specific ACMG/AMP criteria applied: BA1, BP4.

Laboratory of Genetics, Children's Clinical University Hospital Latvia
Classification: Benign. Last evaluated: 2025-02-16. Review status: criteria provided, single submitter. Criteria: ACMG Guidelines, 2015. Collection method: clinical testing. Allele origin: germline. Affected: yes. Not counted in ClinVar's aggregate classification.

Wong Mito Lab, Molecular and Human Genetics, Baylor College of Medicine
Classification: Benign for Leigh syndrome. Last evaluated: 2019-10-17. Review status: criteria provided, single submitter. Criteria: Modified ACMG Guidelines (Unpublished). Collection method: clinical testing. Allele origin: germline. Not counted in ClinVar's aggregate classification.
Comment: The NC_012920.1:m.15326A>G (YP_003024038.1:p.Thr194Ala) variant in MTCYB gene is interpretated to be a Benign variant based on the modified ACMG guidelines (unpublished). This variant meets the following evidence codes: BA1

Department of Zoology Govt. MVM College
Classification: Likely pathogenic for Familial cancer of breast. Review status: no assertion criteria provided. Collection method: not provided. Allele origin: unknown. Not counted in ClinVar's aggregate classification.
Comment: Our Seq: KM077020
ClinVar note: Converted during submission from probable-pathogenic to Likely pathogenic.

NC_012920.1(MT-CYB):m.15326A>G

Gene: MT-CYB (mitochondrially encoded cytochrome b; plus strand).
Variant type: single nucleotide variant.
Genome position: chrM-15326-A-G.
Identifiers: ClinVar variation 140592 (VCV000140592.6), dbSNP rs2853508, ClinGen allele CA269989.